The following is an entry in ClinVar:

NM_000426.4(LAMA2):c.7666del (p.Thr2556fs)

Gene: LAMA2 (laminin subunit alpha 2; plus strand). Cytogenetic location: 6q22.33.
Variant type: Deletion.
Coding change: c.7666del on transcript NM_000426.4 (MANE Select); coding-DNA position 7666, one base deleted (A; older notation c.7666delA).
Protein change: p.Thr2556fs; shifts the reading frame from threonine 2556.
Molecular consequence: frameshift variant.
Genome position (GRCh38, 1-based): chr6:129,481,356, A deleted. VCF-style (leftmost placement, unchanged base first): chr6-129481355-CA-C. GRCh37 (hg19) VCF-style: chr6-129802500-CA-C.
Other names: c.7654del, p.Thr2552fs (NM_001079823.2); c.7666delA (NM_000426.3, NM_000426.4); short protein forms T2552fs, T2556fs.
Identifiers: ClinVar variation 1324643 (VCV001324643.12), dbSNP rs2114839550, ClinGen allele CA2573052581.

ClinVar aggregate classification (germline): Pathogenic/Likely pathogenic. Review status: criteria provided, multiple submitters, no conflicts (2 of 4 stars). 3 submissions from 3 submitters: Pathogenic (2); Likely pathogenic (1). Last evaluated 2025-04-10.

Conditions:
LAMA2-related muscular dystrophy (LAMA2-RD). Also called: Laminin alpha 2-related dystrophy. Identifiers: MedGen C5679788, MONDO:0100228.

Allele frequency attached by ClinVar (database versions not stated): gnomAD exomes below 0.00001.

Submissions (3):

Women's Health and Genetics/Laboratory Corporation of America, LabCorp
Classification: Pathogenic for LAMA2-related muscular dystrophy. Last evaluated: 2025-04-10. Review status: criteria provided, single submitter. Criteria: LabCorp Variant Classification Summary - May 2015. Collection method: clinical testing. Allele origin: germline.
Comment: Variant summary: LAMA2 c.7666delA (p.Thr2556ProfsX51) results in a premature termination codon, predicted to cause a truncation of the encoded protein or absence of the protein due to nonsense mediated decay, which are commonly known mechanisms for disease. The variant was absent in 251250 control chromosomes. To our knowledge, no occurrence of c.7666delA in individuals affected with Laminin Alpha 2-Related Dystrophy and no experimental evidence demonstrating its impact on protein function have been reported. ClinVar contains an entry for this variant (Variation ID: 1324643). Based on the evidence outlined above, the variant was classified as pathogenic.

Labcorp Genetics (formerly Invitae), Labcorp
Classification: Pathogenic for LAMA2-related muscular dystrophy. Last evaluated: 2021-09-23. Review status: criteria provided, single submitter. Criteria: Invitae Variant Classification Sherloc (09022015). Collection method: clinical testing. Allele origin: germline.
Comment: This sequence change creates a premature translational stop signal (p.Thr2556Profs*32) in the LAMA2 gene. It is expected to result in an absent or disrupted protein product. Loss-of-function variants in LAMA2 are known to be pathogenic (PMID: 18700894, 32904964). This variant is not present in population databases (ExAC no frequency). This variant has not been reported in the literature in individuals affected with LAMA2-related conditions. For these reasons, this variant has been classified as Pathogenic.

Revvity Omics, Revvity
Classification: Likely pathogenic. Last evaluated: 2021-09-20. Review status: criteria provided, single submitter. Criteria: ACMG Guidelines, 2015. Collection method: clinical testing. Allele origin: germline.

Literature cited by the submitters: PubMed 18700894 (cited by Labcorp Genetics (formerly Invitae), Labcorp); PubMed 32904964 (cited by Labcorp Genetics (formerly Invitae), Labcorp).